The following is an entry in ClinVar:

NM_002500.5(NEUROD1):c.650A>G (p.His217Arg)

Gene: NEUROD1 (neuronal differentiation 1; minus strand). Cytogenetic location: 2q31.3.
Variant type: single nucleotide variant.
Coding change: c.650A>G on transcript NM_002500.5 (MANE Select); coding-DNA position 650, A replaced by G.
Protein change: p.His217Arg; replaces histidine 217 with arginine.
Molecular consequence: missense variant.
Genome position (GRCh38, 1-based): chr2:181,678,211, T>C on the plus strand (A>G on the coding strand, the complement: NEUROD1 is on the minus strand). VCF-style: chr2-181678211-T-C. GRCh37 (hg19) VCF-style: chr2-182542938-T-C.
Other names: short protein forms H217R.
Identifiers: ClinVar variation 3697894 (VCV003697894.2).

ClinVar aggregate classification (germline): Uncertain significance (1 of 4 stars; one submission).

gnomAD v4.1: 2 of 1,613,214 alleles (0.00012%); highest among the groups gnomAD compares: Admixed American, 0.0033%; no homozygotes.

Submission:

Labcorp Genetics (formerly Invitae), Labcorp
Classification: Uncertain significance. Last evaluated: 2024-04-17. Review status: criteria provided, single submitter. Criteria: Invitae Variant Classification Sherloc (09022015). Collection method: clinical testing. Allele origin: germline.
Comment: This sequence change replaces histidine, which is basic and polar, with arginine, which is basic and polar, at codon 217 of the NEUROD1 protein (p.His217Arg). This variant is present in population databases (no rsID available, gnomAD 0.006%). This variant has not been reported in the literature in individuals affected with NEUROD1-related conditions. Advanced modeling of protein sequence and biophysical properties (such as structural, functional, and spatial information, amino acid conservation, physicochemical variation, residue mobility, and thermodynamic stability) performed at Invitae indicates that this missense variant is not expected to disrupt NEUROD1 protein function with a negative predictive value of 80%. In summary, the available evidence is currently insufficient to determine the role of this variant in disease. Therefore, it has been classified as a Variant of Uncertain Significance.